The following is an entry in ClinVar:

ClinVar aggregate classification (germline): Benign/Likely benign. Review status: criteria provided, multiple submitters, no conflicts (2 of 4 stars). 4 submissions from 4 submitters: Benign (2); Likely benign (2). Last evaluated 2026-02-01.

Allele frequency attached by ClinVar (database versions not stated): 1000 Genomes Project 30x 0.00172; 1000 Genomes Project 0.00180; TOPMed 0.00441; gnomAD exomes 0.00487 and 0.00685; gnomAD 0.00511 and 0.00532; ESP Exome Variant Server 0.00530; ExAC 0.00553.
gnomAD v4.1: 10,648 of 1,598,570 alleles (0.67%); highest among the groups gnomAD compares: Non-Finnish European, 0.79%; 44 homozygotes.

Submissions (4):

CeGaT Center for Human Genetics Tuebingen
Classification: Likely benign. Last evaluated: 2026-02-01. Review status: criteria provided, single submitter. Criteria: CeGaT Center For Human Genetics Tuebingen Variant Classification Criteria Version 2. Collection method: clinical testing. Allele origin: germline. Affected: yes. Observed: 2 variant alleles.
Comment: ARMC5: BP4, BP7, BS2

Blueprint Genetics
Classification: Likely benign. Last evaluated: 2024-11-25. Review status: criteria provided, single submitter. Criteria: ACMG Guidelines, 2015. Collection method: clinical testing. Allele origin: germline.

Labcorp Genetics (formerly Invitae), Labcorp
Classification: Benign. Last evaluated: 2019-12-31. Review status: criteria provided, single submitter. Criteria: Invitae Variant Classification Sherloc (09022015). Collection method: clinical testing. Allele origin: germline.

Breakthrough Genomics
Classification: Benign. Review status: criteria provided, single submitter. Criteria: ACMG Guidelines, 2015. Collection method: not provided. Allele origin: germline. Inheritance: Autosomal dominant inheritance. Affected: yes.

NM_001105247.2(ARMC5):c.1641G>A (p.Ala547=)

Gene: ARMC5 (armadillo repeat containing 5; plus strand). Cytogenetic location: 16p11.2.
Variant type: single nucleotide variant.
Coding change: c.1641G>A on transcript NM_001105247.2 (MANE Select); coding-DNA position 1641, G replaced by A.
Protein change: p.Ala547=; no amino-acid change (alanine 547 retained).
Molecular consequence: synonymous variant.
Genome position (GRCh38, 1-based): chr16:31,464,664, G>A. VCF-style: chr16-31464664-G-A. GRCh37 (hg19) VCF-style: chr16-31475985-G-A.
Other names: c.1926G>A, p.Ala642= (NM_001288767.2); c.1737G>A, p.Ala579= (NM_001301820.1); c.1641G>A, p.Ala547= (NM_024742.2).
Identifiers: ClinVar variation 721013 (VCV000721013.30), dbSNP rs61732352, ClinGen allele CA8029742.